The following is an entry in ClinVar:

ClinVar aggregate classification (germline): Uncertain significance. Review status: criteria provided, multiple submitters, no conflicts (2 of 4 stars). 2 submissions from 2 submitters: Uncertain significance (2). Last evaluated 2024-08-04.

Conditions:
Hereditary nonpolyposis colorectal neoplasms. Identifiers: MedGen C0009405, MeSH D003123.
Hereditary cancer-predisposing syndrome. Also called: Tumor predisposition; Neoplastic Syndromes, Hereditary; Hereditary neoplastic syndrome; Hereditary Cancer Syndrome. Identifiers: Orphanet 140162, MedGen C0027672, MeSH D009386, MONDO:0015356.

Submissions (2):

Labcorp Genetics (formerly Invitae), Labcorp
Classification: Uncertain significance for Hereditary nonpolyposis colorectal neoplasms. Last evaluated: 2024-08-04. Review status: criteria provided, single submitter. Criteria: Invitae Variant Classification Sherloc (09022015). Collection method: clinical testing. Allele origin: germline.
Comment: This sequence change replaces serine, which is neutral and polar, with phenylalanine, which is neutral and non-polar, at codon 668 of the MSH6 protein (p.Ser668Phe). This variant is not present in population databases (gnomAD no frequency). This variant has not been reported in the literature in individuals affected with MSH6-related conditions. ClinVar contains an entry for this variant (Variation ID: 1518110). Advanced modeling of protein sequence and biophysical properties (such as structural, functional, and spatial information, amino acid conservation, physicochemical variation, residue mobility, and thermodynamic stability) performed at Invitae indicates that this missense variant is not expected to disrupt MSH6 protein function with a negative predictive value of 95%. In summary, the available evidence is currently insufficient to determine the role of this variant in disease. Therefore, it has been classified as a Variant of Uncertain Significance.

Ambry Genetics
Classification: Uncertain significance for Hereditary cancer-predisposing syndrome. Last evaluated: 2024-04-09. Review status: criteria provided, single submitter. Criteria: Ambry Variant Classification Scheme 2023. Collection method: clinical testing. Allele origin: germline.

NM_000179.3(MSH6):c.2003C>T (p.Ser668Phe)

Gene: MSH6 (mutS homolog 6; plus strand). Cytogenetic location: 2p16.3.
Variant type: single nucleotide variant.
Coding change: c.2003C>T on transcript NM_000179.3 (MANE Select); coding-DNA position 2003, C replaced by T.
Protein change: p.Ser668Phe; replaces serine 668 with phenylalanine.
Molecular consequence: missense variant.
Genome position (GRCh38, 1-based): chr2:47,799,986, C>T. VCF-style: chr2-47799986-C-T. GRCh37 (hg19) VCF-style: chr2-48027125-C-T.
Other names: c.2003C>T (NM_000179.2); c.1613C>T, p.Ser538Phe (NM_001281492.2); c.1097C>T, p.Ser366Phe (NM_001281493.2, NM_001281494.2); short protein forms S668F, S538F, S366F.
Identifiers: ClinVar variation 1518110 (VCV001518110.9), dbSNP rs923709484, ClinGen allele CA46710117.